The following is an entry in ClinVar:

NM_199420.4(POLQ):c.6712G>T (p.Ala2238Ser)

Gene: POLQ (DNA polymerase theta; minus strand). Cytogenetic location: 3q13.33.
Variant type: single nucleotide variant.
Coding change: c.6712G>T on transcript NM_199420.4 (MANE Select); coding-DNA position 6712, G replaced by T.
Protein change: p.Ala2238Ser; replaces alanine 2238 with serine.
Molecular consequence: missense variant.
Genome position (GRCh38, 1-based): chr3:121,471,996, C>A on the plus strand (G>T on the coding strand, the complement: POLQ is on the minus strand). VCF-style: chr3-121471996-C-A. GRCh37 (hg19) VCF-style: chr3-121190843-C-A.
Other names: short protein forms A2238S.
Identifiers: ClinVar variation 1755054 (VCV001755054.3), dbSNP rs139921151, ClinGen allele CA81827188.

ClinVar aggregate classification (germline): Uncertain significance (1 of 4 stars; one submission).

Allele frequency attached by ClinVar (database versions not stated): gnomAD exomes below 0.00001; gnomAD 0.00001; TOPMed 0.00002; ESP Exome Variant Server 0.00008.
gnomAD v4.1: 4 of 1,479,668 alleles (0.00027%); highest among the groups gnomAD compares: African/African-American, 0.0056%; no homozygotes.

Submission:

Ambry Genetics
Classification: Uncertain significance. Last evaluated: 2023-08-26. Review status: criteria provided, single submitter. Criteria: Ambry Variant Classification Scheme 2023. Collection method: clinical testing. Allele origin: germline.
Comment: The p.A2238S variant (also known as c.6712G>T), located in coding exon 22 of the POLQ gene, results from a G to T substitution at nucleotide position 6712. The alanine at codon 2238 is replaced by serine, an amino acid with similar properties. This amino acid position is conserved. In addition, this alteration is predicted to be tolerated by in silico analysis. Since supporting evidence is limited at this time, the clinical significance of this alteration remains unclear.